The following is an entry in ClinVar:

NM_153700.2(STRC):c.4013G>A (p.Arg1338Gln)

Gene: STRC (stereocilin; minus strand). Cytogenetic location: 15q15.3.
Variant type: single nucleotide variant.
Coding change: c.4013G>A on transcript NM_153700.2 (MANE Select); coding-DNA position 4013, G replaced by A.
Protein change: p.Arg1338Gln; replaces arginine 1338 with glutamine.
Molecular consequence: missense variant.
Genome position (GRCh38, 1-based): chr15:43,604,764, C>T on the plus strand (G>A on the coding strand, the complement: STRC is on the minus strand). VCF-style: chr15-43604764-C-T. GRCh37 (hg19) VCF-style: chr15-43896962-C-T.
Other names: short protein forms R1338Q.
Identifiers: ClinVar variation 2519099 (VCV002519099.6), dbSNP rs369203282, ClinGen allele CA7528172.
Genomic context (GRCh38, chr15:43,604,764, plus strand): 5'-CCTAGGCAGAAGCCTTGCAGCTGACTGAGATGGGACAGCAGGATCTGTAGGGGGATCTGT[C>T]GTGTGCTCTCTGTCCCCAGGAATCCAACCAAAGGGCCTAAGGTCTCCAGCACTTCCCCTG-3'
Protein context (NP_714544.1, residues 1328-1348): LVGFLGTEST[Arg1338Gln]QIPLQILLSH

ClinVar aggregate classification (germline): Uncertain significance. Review status: criteria provided, multiple submitters, no conflicts (2 of 4 stars). 3 submissions from 3 submitters: Uncertain significance (3). Last evaluated 2026-09-09.

Conditions:
STRC-related disorder. Also called: STRC-related condition.
Inborn genetic diseases. Identifiers: MedGen C0950123, MeSH D030342.

Allele frequency attached by ClinVar (database versions not stated): gnomAD exomes 0.00004; ExAC 0.00006; ESP Exome Variant Server 0.00008; gnomAD 0.00024; TOPMed 0.00028.
gnomAD v4.1: 91 of 1,613,388 alleles (0.0056%); highest among the groups gnomAD compares: African/African-American, 0.068%; no homozygotes.

Submissions (3):

PreventionGenetics, part of Exact Sciences
Classification: Uncertain significance for STRC-related condition. Last evaluated: 2026-09-09. Review status: criteria provided, single submitter. Criteria: ACMG Guidelines, 2015. Collection method: clinical testing. Allele origin: germline.
Comment: The STRC c.4013G>A variant is predicted to result in the amino acid substitution p.Arg1338Gln. To our knowledge, this variant has not been reported in the literature. This variant is reported in 0.033% of alleles in individuals of African descent in gnomAD. At this time, the clinical significance of this variant is uncertain due to the absence of conclusive functional and genetic evidence.

Ambry Genetics
Classification: Uncertain significance for Inborn genetic diseases. Last evaluated: 2025-06-23. Review status: criteria provided, single submitter. Criteria: Ambry Variant Classification Scheme 2023. Collection method: clinical testing. Allele origin: germline.

Blueprint Genetics
Classification: Uncertain significance. Last evaluated: 2023-10-04. Review status: criteria provided, single submitter. Criteria: ACMG Guidelines, 2015. Collection method: clinical testing. Allele origin: germline.